The following is an entry in ClinVar:

NM_000944.5(PPP3CA):c.1386A>G (p.Ser462=)

Gene: PPP3CA (protein phosphatase 3 catalytic subunit alpha; minus strand). Cytogenetic location: 4q24.
Variant type: single nucleotide variant.
Coding change: c.1386A>G on transcript NM_000944.5 (MANE Select); coding-DNA position 1386, A replaced by G.
Protein change: p.Ser462=; no amino-acid change (serine 462 retained).
Molecular consequence: synonymous variant.
Genome position (GRCh38, 1-based): chr4:101,026,045, T>C on the plus strand (A>G on the coding strand, the complement: PPP3CA is on the minus strand). VCF-style: chr4-101026045-T-C. GRCh37 (hg19) VCF-style: chr4-101947202-T-C.
Other names: c.1356A>G, p.Ser452= (NM_001130691.2); c.1230A>G, p.Ser410= (NM_001130692.2).
Identifiers: ClinVar variation 711413 (VCV000711413.36), dbSNP rs150423845, ClinGen allele CA3024235.

ClinVar aggregate classification (germline): Benign/Likely benign. Review status: criteria provided, multiple submitters, no conflicts (2 of 4 stars). 6 submissions from 6 submitters: Benign (2); Likely benign (3). 1 of the submissions does not count toward it. Last evaluated 2026-02-03.

Conditions:
PPP3CA-related disorder. Also called: PPP3CA-related disorders; PPP3CA-related condition.
Developmental and epileptic encephalopathy 91. Also called: EPILEPTIC ENCEPHALOPATHY, INFANTILE OR EARLY CHILDHOOD, 1. Identifiers: MedGen C4540199, MONDO:0020630, OMIM 617711.
Arthrogryposis, cleft palate, craniosynostosis, and impaired intellectual development. Identifiers: Orphanet 565858, MedGen C4748872, MONDO:0032642, OMIM 618265.

Allele frequency attached by ClinVar (database versions not stated): gnomAD exomes 0.00055; ExAC 0.00072; gnomAD 0.00185 and 0.00191; TOPMed 0.00196; ESP Exome Variant Server 0.00231; 1000 Genomes Project 30x 0.00437; 1000 Genomes Project 0.00439.
gnomAD v4.1: 491 of 1,593,524 alleles (0.031%); highest among the groups gnomAD compares: African/African-American, 0.58%; 7 homozygotes.

Submissions (6):

Labcorp Genetics (formerly Invitae), Labcorp
Classification: Benign. Last evaluated: 2026-02-03. Review status: criteria provided, single submitter. Criteria: Invitae Variant Classification Sherloc (09022015). Collection method: clinical testing. Allele origin: germline.

Blueprint Genetics
Classification: Likely benign. Last evaluated: 2024-09-24. Review status: criteria provided, single submitter. Criteria: ACMG Guidelines, 2015. Collection method: clinical testing. Allele origin: germline.

CeGaT Center for Human Genetics Tuebingen
Classification: Likely benign. Last evaluated: 2024-01-01. Review status: criteria provided, single submitter. Criteria: CeGaT Center For Human Genetics Tuebingen Variant Classification Criteria Version 2. Collection method: clinical testing. Allele origin: germline. Affected: yes. Observed: 1 variant allele.
Comment: PPP3CA: BP4, BP7, BS2

Fulgent Genetics
Classification: Likely benign for Developmental and epileptic encephalopathy 91; Arthrogryposis, cleft palate, craniosynostosis, and impaired intellectual development. Last evaluated: 2021-09-05. Review status: criteria provided, single submitter. Criteria: ACMG Guidelines, 2015. Collection method: clinical testing. Allele origin: unknown.

Breakthrough Genomics
Classification: Benign. Review status: criteria provided, single submitter. Criteria: ACMG Guidelines, 2015. Collection method: not provided. Allele origin: germline. Inheritance: Autosomal dominant inheritance. Affected: yes.

PreventionGenetics, part of Exact Sciences
Classification: Benign for PPP3CA-related condition. Last evaluated: 2019-07-12. Review status: no assertion criteria provided. Collection method: clinical testing. Allele origin: germline. Not counted in ClinVar's aggregate classification.
Comment: This variant is classified as benign based on ACMG/AMP sequence variant interpretation guidelines (Richards et al. 2015 PMID: 25741868, with internal and published modifications).